The following is an entry in ClinVar:

NM_003640.5(ELP1):c.1336A>G (p.Asn446Asp)

Gene: ELP1 (elongator acetyltransferase complex subunit 1; minus strand). Cytogenetic location: 9q31.3.
Variant type: single nucleotide variant.
Coding change: c.1336A>G on transcript NM_003640.5 (MANE Select); coding-DNA position 1336, A replaced by G.
Protein change: p.Asn446Asp; replaces asparagine 446 with aspartic acid.
Molecular consequence: missense variant.
Genome position (GRCh38, 1-based): chr9:108,911,034, T>C on the plus strand (A>G on the coding strand, the complement: ELP1 is on the minus strand). VCF-style: chr9-108911034-T-C. GRCh37 (hg19) VCF-style: chr9-111673314-T-C.
Other names: c.994A>G, p.Asn332Asp (NM_001318360.2); c.289A>G, p.Asn97Asp (NM_001330749.2); short protein forms N446D, N332D, N97D.
Identifiers: ClinVar variation 858708 (VCV000858708.7), dbSNP rs1829197624, ClinGen allele CA374428618.
Genomic context (GRCh38, chr9:108,911,034, plus strand): 5'-GATTCAGAACATCTTGGCAAAAGTTTTATAACATACCACATTTATAAACAGAAATCTGGT[T>C]ACTGGCATCTAGAACAGCAAGGTCATTACTCTTTTGAGGGTGTGCTAAGAATGTGACTTG-3'
Protein context (NP_003631.2, residues 436-456): SNDLAVLDAS[Asn446Asp]QISVYKCGDC

ClinVar aggregate classification (germline): Uncertain significance. Review status: criteria provided, multiple submitters, no conflicts (2 of 4 stars). 2 submissions from 2 submitters: Uncertain significance (2). Last evaluated 2025-07-14.

Submissions (2):

Labcorp Genetics (formerly Invitae), Labcorp
Classification: Uncertain significance. Last evaluated: 2025-07-14. Review status: criteria provided, single submitter. Criteria: Invitae Variant Classification Sherloc (09022015). Collection method: clinical testing. Allele origin: germline.
Comment: This sequence change replaces asparagine, which is neutral and polar, with aspartic acid, which is acidic and polar, at codon 446 of the ELP1 protein (p.Asn446Asp). This variant is not present in population databases (gnomAD no frequency). This variant has not been reported in the literature in individuals affected with ELP1-related conditions. ClinVar contains an entry for this variant (Variation ID: 858708). Invitae Evidence Modeling of protein sequence and biophysical properties (such as structural, functional, and spatial information, amino acid conservation, physicochemical variation, residue mobility, and thermodynamic stability) indicates that this missense variant is not expected to disrupt ELP1 protein function with a negative predictive value of 80%. In summary, the available evidence is currently insufficient to determine the role of this variant in disease. Therefore, it has been classified as a Variant of Uncertain Significance.

Ambry Genetics
Classification: Uncertain significance. Last evaluated: 2021-11-12. Review status: criteria provided, single submitter. Criteria: Ambry Variant Classification Scheme 2023. Collection method: clinical testing. Allele origin: germline.